The following is an entry in ClinVar:

ClinVar aggregate classification (germline): Uncertain significance (1 of 4 stars; one submission).

Submission:

Labcorp Genetics (formerly Invitae), Labcorp
Classification: Uncertain significance. Last evaluated: 2026-01-21. Review status: criteria provided, single submitter. Criteria: Invitae Variant Classification Sherloc (09022015). Collection method: clinical testing. Allele origin: germline.
Comment: This sequence change replaces arginine, which is basic and polar, with tryptophan, which is neutral and slightly polar, at codon 6 of the TNFRSF11A protein (p.Arg6Trp). The frequency data for this variant in the population databases is considered unreliable, as metrics indicate insufficient coverage at this position in the gnomAD database. This variant has not been reported in the literature in individuals affected with TNFRSF11A-related conditions. An algorithm developed to predict the effect of missense changes on protein structure and function outputs the following: PolyPhen-2: "Not Available". The tryptophan amino acid residue is found in multiple mammalian species, which suggests that this missense change does not adversely affect protein function. In summary, the available evidence is currently insufficient to determine the role of this variant in disease. Therefore, it has been classified as a Variant of Uncertain Significance.

NM_003839.4(TNFRSF11A):c.16C>T (p.Arg6Trp)

Genes: TNFRSF11A (TNF receptor superfamily member 11a; plus strand), LOC130062628 (ATAC-STARR-seq lymphoblastoid silent region 9505; plus strand). Cytogenetic location: 18q21.33.
Variant type: single nucleotide variant.
Coding change: c.16C>T on transcript NM_003839.4 (MANE Select); coding-DNA position 16, C replaced by T.
Protein change: p.Arg6Trp; replaces arginine 6 with tryptophan.
Molecular consequence: missense variant.
Genome position (GRCh38, 1-based): chr18:62,325,368, C>T. VCF-style: chr18-62325368-C-T. GRCh37 (hg19) VCF-style: chr18-59992601-C-T.
Other names: c.16C>T, p.Arg6Trp (NM_001270949.2, NM_001270950.2, NM_001270951.2 and 1 more transcripts); short protein forms R6W.
Identifiers: ClinVar variation 4764076 (VCV004764076.1).